The following is an entry in ClinVar:

ClinVar aggregate classification (germline): Likely benign (1 of 4 stars; one submission).

Allele frequency attached by ClinVar (database versions not stated): gnomAD 0.00005; ExAC 0.00007; ESP Exome Variant Server 0.00008.
gnomAD v4.1: 66 of 1,612,366 alleles (0.0041%); highest among the groups gnomAD compares: East Asian, 0.0089%; no homozygotes.

Submission:

CeGaT Center for Human Genetics Tuebingen
Classification: Likely benign. Last evaluated: 2023-03-01. Review status: criteria provided, single submitter. Criteria: CeGaT Center For Human Genetics Tuebingen Variant Classification Criteria Version 2. Collection method: clinical testing. Allele origin: germline. Affected: yes. Observed: 1 variant allele.
Comment: SPTBN5: BP4, BP7

NM_016642.4(SPTBN5):c.4239C>T (p.Asp1413=)

Gene: SPTBN5 (spectrin beta, non-erythrocytic 5; minus strand). Cytogenetic location: 15q15.1.
Variant type: single nucleotide variant.
Coding change: c.4239C>T on transcript NM_016642.4 (MANE Select); coding-DNA position 4239, C replaced by T.
Protein change: p.Asp1413=; no amino-acid change (aspartic acid 1413 retained).
Molecular consequence: synonymous variant.
Genome position (GRCh38, 1-based): chr15:41,875,506, G>A on the plus strand (C>T on the coding strand, the complement: SPTBN5 is on the minus strand). VCF-style: chr15-41875506-G-A. GRCh37 (hg19) VCF-style: chr15-42167704-G-A.
Identifiers: ClinVar variation 2645225 (VCV002645225.24), dbSNP rs367923098, ClinGen allele CA7503325.